The following is an entry in ClinVar:

NM_022168.4(IFIH1):c.1A>C (p.Met1Leu)

Gene: IFIH1 (interferon induced with helicase C domain 1; minus strand). Cytogenetic location: 2q24.2.
Variant type: single nucleotide variant.
Coding change: c.1A>C on transcript NM_022168.4 (MANE Select); coding-DNA position 1, A replaced by C.
Protein change: p.Met1Leu; changes the start codon (methionine 1).
Molecular consequence: missense variant, initiator codon variant.
Genome position (GRCh38, 1-based): chr2:162,318,307, T>G on the plus strand (A>C on the coding strand, the complement: IFIH1 is on the minus strand). VCF-style: chr2-162318307-T-G. GRCh37 (hg19) VCF-style: chr2-163174817-T-G.
Other names: short protein forms M1L.
Identifiers: ClinVar variation 3749975 (VCV003749975.2).

ClinVar aggregate classification (germline): Uncertain significance (1 of 4 stars; one submission).

Conditions:
Aicardi-Goutieres syndrome 7 (AGS7). Identifiers: Orphanet 51, MedGen C3888244, MONDO:0014367, OMIM 615846.
Singleton-Merten syndrome 1 (SGMRT1). Also called: Widened medullary cavities of bone, aortic calcification, abnormal dentition, and muscular weakness; Syndrome of widened medullary cavities of the metacarpals and phalanges, aortic calcification and abnormal dentition. Identifiers: Orphanet 85191, MedGen C4225427, MONDO:0024535, OMIM 182250.

Submission:

Labcorp Genetics (formerly Invitae), Labcorp
Classification: Uncertain significance for Aicardi-Goutieres syndrome 7; Singleton-Merten syndrome 1. Last evaluated: 2024-12-30. Review status: criteria provided, single submitter. Criteria: Invitae Variant Classification Sherloc (09022015). Collection method: clinical testing. Allele origin: germline.
Comment: This sequence change affects the initiator methionine of the IFIH1 mRNA. The next in-frame methionine is located at codon 24. This variant is not present in population databases (gnomAD no frequency). This variant has not been reported in the literature in individuals affected with IFIH1-related conditions. In summary, the available evidence is currently insufficient to determine the role of this variant in disease. Therefore, it has been classified as a Variant of Uncertain Significance.